The following is an entry in ClinVar:

NM_000542.5(SFTPB):c.357C>T (p.Tyr119=)

Gene: SFTPB (surfactant protein B; minus strand). Cytogenetic location: 2p11.2.
Variant type: single nucleotide variant.
Coding change: c.357C>T on transcript NM_000542.5 (MANE Select); coding-DNA position 357, C replaced by T.
Protein change: p.Tyr119=; no amino-acid change (tyrosine 119 retained).
Molecular consequence: synonymous variant.
Genome position (GRCh38, 1-based): chr2:85,666,653, G>A on the plus strand (C>T on the coding strand, the complement: SFTPB is on the minus strand). VCF-style: chr2-85666653-G-A. GRCh37 (hg19) VCF-style: chr2-85893776-G-A.
Other names: c.357C>T, p.Tyr119= (NM_001367281.2, NM_198843.4).
Identifiers: ClinVar variation 504739 (VCV000504739.7), dbSNP rs368293273, ClinGen allele CA1744089.
Genomic context (GRCh38, chr2:85,666,653, plus strand): 5'-AGGAGGTGAGCTTGCAGCCCTCACAGTCTGGTTCTGGAAGTAGTCGATGACCAGGGGGAA[G>A]TAGTCGTCAAGCACTTGGTTGCACTGGGGCATGAGCAGCTTCAAGGGGAGGACGTTGCAC-3'
Protein context (NP_000533.4, residues 109-129): MPQCNQVLDD[Tyr119=]FPLVIDYFQN

ClinVar aggregate classification (germline): Likely benign. Review status: criteria provided, multiple submitters, no conflicts (2 of 4 stars). 2 submissions from 2 submitters: Likely benign (2). Last evaluated 2018-08-20.

Conditions:
Hereditary pulmonary alveolar proteinosis. Also called: Pulmonary surfactant metabolism dysfunction. Identifiers: Orphanet 264675, MedGen C3711368, MONDO:0012580.

Allele frequency attached by ClinVar (database versions not stated): TOPMed 0.00002; gnomAD 0.00003; gnomAD exomes 0.00004 and 0.00005; ExAC 0.00005; ESP Exome Variant Server 0.00008.
gnomAD v4.1: 85 of 1,613,544 alleles (0.0053%); highest among the groups gnomAD compares: Non-Finnish European, 0.0068%; no homozygotes.

Submissions (2):

Ambry Genetics
Classification: Likely benign for Hereditary pulmonary alveolar proteinosis. Last evaluated: 2018-08-20. Review status: criteria provided, single submitter. Criteria: Ambry Variant Classification Scheme 2023. Collection method: clinical testing. Allele origin: germline.

Laboratory for Molecular Medicine, Mass General Brigham Personalized Medicine
Classification: Likely benign. Last evaluated: 2016-12-14. Review status: criteria provided, single submitter. Criteria: LMM Criteria. Collection method: clinical testing. Allele origin: germline. Observed: 1 variant allele.
Comment: p.Tyr131Tyr in exon 5 of SFTPB: This variant is not expected to have clinical si gnificance because it does not alter an amino acid residue and is not located wi thin the splice consensus sequence. It has been identified in 6/66702 European c hromosomes by the Exome Aggregation Consortium (ExAC; dbSNP rs368293273).